The following is an entry in ClinVar:

NM_004360.5(CDH1):c.2574C>A (p.Asp858Glu)

Gene: CDH1 (cadherin 1; plus strand). Cytogenetic location: 16q22.1.
Variant type: single nucleotide variant.
Coding change: c.2574C>A on transcript NM_004360.5 (MANE Select); coding-DNA position 2574, C replaced by A.
Protein change: p.Asp858Glu; replaces aspartic acid 858 with glutamic acid.
Molecular consequence: missense variant.
Genome position (GRCh38, 1-based): chr16:68,833,424, C>A. VCF-style: chr16-68833424-C-A. GRCh37 (hg19) VCF-style: chr16-68867327-C-A.
Other names: c.2574C>A (LRG_301t1); c.2391C>A, p.Asp797Glu (NM_001317184.2); c.1026C>A, p.Asp342Glu (NM_001317185.2); c.609C>A, p.Asp203Glu (NM_001317186.2); short protein forms D858E, D203E, D342E, D797E.
Identifiers: ClinVar variation 406664 (VCV000406664.16), dbSNP rs1060501245, ClinGen allele CA16615268.

ClinVar aggregate classification (germline): Uncertain significance. Review status: criteria provided, multiple submitters, no conflicts (2 of 4 stars). 2 submissions from 2 submitters: Uncertain significance (2). Last evaluated 2024-08-28.

Conditions:
Hereditary cancer-predisposing syndrome. Also called: Tumor predisposition; Neoplastic Syndromes, Hereditary; Hereditary Cancer Syndrome; Hereditary neoplastic syndrome. Identifiers: Orphanet 140162, MedGen C0027672, MeSH D009386, MONDO:0015356.
Hereditary diffuse gastric adenocarcinoma (HDGC). Also called: DIFFUSE GASTRIC AND LOBULAR BREAST CANCER SYNDROME. Identifiers: Orphanet 26106, MedGen C1708349, MONDO:0007648, OMIM 137215.

Allele frequency attached by ClinVar (database versions not stated): gnomAD 0.00001.
gnomAD v4.1: 1 of 1,614,098 alleles (0.000062%); highest among the groups gnomAD compares: African/African-American, 0.0013%; no homozygotes.

Submissions (2):

Labcorp Genetics (formerly Invitae), Labcorp
Classification: Uncertain significance for Hereditary diffuse gastric adenocarcinoma. Last evaluated: 2024-08-28. Review status: criteria provided, single submitter. Criteria: Invitae Variant Classification Sherloc (09022015). Collection method: clinical testing. Allele origin: germline.
Comment: This sequence change replaces aspartic acid, which is acidic and polar, with glutamic acid, which is acidic and polar, at codon 858 of the CDH1 protein (p.Asp858Glu). This variant is not present in population databases (gnomAD no frequency). This variant has not been reported in the literature in individuals affected with CDH1-related conditions. ClinVar contains an entry for this variant (Variation ID: 406664). An algorithm developed to predict the effect of missense changes on protein structure and function (PolyPhen-2) suggests that this variant is likely to be disruptive. In summary, the available evidence is currently insufficient to determine the role of this variant in disease. Therefore, it has been classified as a Variant of Uncertain Significance.

Ambry Genetics
Classification: Uncertain significance for Hereditary cancer-predisposing syndrome. Last evaluated: 2024-03-19. Review status: criteria provided, single submitter. Criteria: Ambry Variant Classification Scheme 2023. Collection method: clinical testing. Allele origin: germline.
Comment: The p.D858E variant (also known as c.2574C>A), located in coding exon 16 of the CDH1 gene, results from a C to A substitution at nucleotide position 2574. The aspartic acid at codon 858 is replaced by glutamic acid, an amino acid with highly similar properties. This amino acid position is highly conserved in available vertebrate species. In addition, the in silico prediction for this alteration is inconclusive. Since supporting evidence is limited at this time, the clinical significance of this alteration remains unclear.